The following is an entry in ClinVar:

NM_001097642.3(GJB1):c.-16-697G>A

Gene: GJB1 (gap junction protein beta 1; plus strand). Cytogenetic location: Xq13.1.
Variant type: single nucleotide variant.
Coding change: c.-16-697G>A on transcript NM_001097642.3; 697 bases into the intron before 16 bases upstream of the start codon, G replaced by A.
Molecular consequence: intron variant.
Genome position (GRCh38, 1-based): chrX:71,222,995, G>A. VCF-style: chrX-71222995-G-A. GRCh37 (hg19) VCF-style: chrX-70442845-G-A.
Other names: c.-17+229G>A (NM_001440770.1); c.-357G>A (NM_000166.5); c.-146-211G>A (NM_000166.5).
Identifiers: ClinVar variation 255410 (VCV000255410.13), dbSNP rs6525485, ClinGen allele CA10587400.

ClinVar aggregate classification (germline): Benign. Review status: criteria provided, multiple submitters, no conflicts (2 of 4 stars). 5 submissions from 5 submitters: Benign (3). 2 of the submissions do not count toward it. Last evaluated 2026-02-02.

Conditions:
Charcot-Marie-Tooth Neuropathy X. Identifiers: MedGen CN118851.

Allele frequency attached by ClinVar (database versions not stated): 1000 Genomes Project 30x 0.71509; TOPMed 0.67393; 1000 Genomes Project 0.71444.

Submissions (5):

Labcorp Genetics (formerly Invitae), Labcorp
Classification: Benign for Charcot-Marie-Tooth Neuropathy X. Last evaluated: 2026-02-02. Review status: criteria provided, single submitter. Criteria: Invitae Variant Classification Sherloc (09022015). Collection method: clinical testing. Allele origin: germline.

GeneDx
Classification: Benign. Last evaluated: 2018-06-14. Review status: criteria provided, single submitter. Criteria: GeneDx Variant Classification (06012015). Collection method: clinical testing. Allele origin: germline. Affected: yes.
Comment: This variant is considered likely benign or benign based on one or more of the following criteria: it is a conservative change, it occurs at a poorly conserved position in the protein, it is predicted to be benign by multiple in silico algorithms, and/or has population frequency not consistent with disease.

PreventionGenetics, part of Exact Sciences
Classification: Benign. Review status: criteria provided, single submitter. Criteria: ACMG Guidelines, 2015. Collection method: clinical testing. Allele origin: germline.

Clinical Genetics, Academic Medical Center
Classification: Benign. Review status: no assertion criteria provided. Collection method: clinical testing. Allele origin: germline. Affected: yes. Study: VKGL Data-share Consensus. Not counted in ClinVar's aggregate classification.

Genome Diagnostics Laboratory, University Medical Center Utrecht
Classification: Benign. Review status: no assertion criteria provided. Collection method: clinical testing. Allele origin: germline. Affected: yes. Study: VKGL Data-share Consensus. Not counted in ClinVar's aggregate classification.